The following is an entry in ClinVar:

ClinVar aggregate classification (germline): Likely benign. Review status: criteria provided, single submitter (1 of 4 stars). 2 submissions from 2 submitters: Likely benign (1). 1 of the submissions does not count toward it. Last evaluated 2023-04-09.

Conditions:
DCTN1-related disorder. Also called: DCTN1-related condition.
Amyotrophic lateral sclerosis type 1 (ALS1). Also called: AMYOTROPHIC LATERAL SCLEROSIS 1, FAMILIAL. Identifiers: Orphanet 803, MedGen C1862939, MONDO:0007103, OMIM 105400.
Neuronopathy, distal hereditary motor, type 7B. Also called: NEURONOPATHY, DISTAL HEREDITARY MOTOR, AUTOSOMAL DOMINANT 14; NEURONOPATHY, DISTAL HEREDITARY MOTOR, HARDING TYPE VIIB; NEUROPATHY, DISTAL HEREDITARY MOTOR, HARDING TYPE VIIB; NEUROPATHY, DISTAL HEREDITARY MOTOR, WITH VOCAL CORD PARALYSIS, HARDING TYPE VIIB; Distal Hereditary Motor Neuronopathy Type 7B (dHMN7B); HMN VIIB. Identifiers: Orphanet 139589, MedGen C1843315, MONDO:0011879, OMIM 607641.
Perry syndrome. Also called: PARKINSONISM WITH ALVEOLAR HYPOVENTILATION AND MENTAL DEPRESSION. Identifiers: Orphanet 178509, MedGen C1868594, MONDO:0008201, OMIM 168605.

Submissions (2):

Labcorp Genetics (formerly Invitae), Labcorp
Classification: Likely benign for Amyotrophic lateral sclerosis type 1; Neuronopathy, distal hereditary motor, type 7B; Perry syndrome. Last evaluated: 2023-04-09. Review status: criteria provided, single submitter. Criteria: Invitae Variant Classification Sherloc (09022015). Collection method: clinical testing. Allele origin: germline.

PreventionGenetics, part of Exact Sciences
Classification: Likely benign for DCTN1-related condition. Last evaluated: 2021-08-23. Review status: no assertion criteria provided. Collection method: clinical testing. Allele origin: germline. Not counted in ClinVar's aggregate classification.
Comment: This variant is classified as likely benign based on ACMG/AMP sequence variant interpretation guidelines (Richards et al. 2015 PMID: 25741868, with internal and published modifications).

NM_004082.5(DCTN1):c.1335T>C (p.Asp445=)

Gene: DCTN1 (dynactin subunit 1; minus strand). Cytogenetic location: 2p13.1.
Variant type: single nucleotide variant.
Coding change: c.1335T>C on transcript NM_004082.5 (MANE Select); coding-DNA position 1335, T replaced by C.
Protein change: p.Asp445=; no amino-acid change (aspartic acid 445 retained).
Molecular consequence: synonymous variant. On other transcripts: non-coding transcript variant (1).
Genome position (GRCh38, 1-based): chr2:74,370,022, A>G on the plus strand (T>C on the coding strand, the complement: DCTN1 is on the minus strand). VCF-style: chr2-74370022-A-G. GRCh37 (hg19) VCF-style: chr2-74597149-A-G.
Other names: c.1275T>C, p.Asp425= (NM_001135040.3); c.933T>C, p.Asp311= (NM_001135041.3, NM_023019.4); c.1224T>C, p.Asp408= (NM_001190836.2); c.1314T>C, p.Asp438= (NM_001190837.2); c.1284T>C, p.Asp428= (NM_001378991.1); c.1266T>C, p.Asp422= (NM_001378992.1).
Identifiers: ClinVar variation 2927129 (VCV002927129.5), dbSNP rs2529153570, ClinGen allele CA427030502.